The following is an entry in ClinVar:

ClinVar aggregate classification (germline): Uncertain significance (1 of 4 stars; one submission).

Conditions:
UBN2-related disorder. Also called: UBN2-related condition.

Allele frequency attached by ClinVar (database versions not stated): gnomAD exomes 0.00001; TOPMed 0.00001.
gnomAD v4.1: 7 of 1,613,100 alleles (0.00043%); highest among the groups gnomAD compares: Non-Finnish European, 0.00059%; no homozygotes.

Submission:

PreventionGenetics, part of Exact Sciences
Classification: Uncertain significance for UBN2-related condition. Last evaluated: 2023-09-12. Review status: criteria provided, single submitter. Criteria: ACMG Guidelines, 2015. Collection method: clinical testing. Allele origin: germline.
Comment: The UBN2 c.1993C>T variant is predicted to result in the amino acid substitution p.Arg665Trp. This variant was reported in an individual with a neurodevelopmental phenotype (Table S11, Stessman et al. 2017. PubMed ID: 28191889). This variant has not been reported in a large population database, indicating this variant is rare. At this time, the clinical significance of this variant is uncertain due to the absence of conclusive functional and genetic evidence.

NM_173569.4(UBN2):c.1993C>T (p.Arg665Trp)

Gene: UBN2 (ubinuclein 2; plus strand). Cytogenetic location: 7q34.
Variant type: single nucleotide variant.
Coding change: c.1993C>T on transcript NM_173569.4 (MANE Select); coding-DNA position 1993, C replaced by T.
Protein change: p.Arg665Trp; replaces arginine 665 with tryptophan.
Molecular consequence: missense variant.
Genome position (GRCh38, 1-based): chr7:139,276,116, C>T. VCF-style: chr7-139276116-C-T. GRCh37 (hg19) VCF-style: chr7-138960862-C-T.
Other names: short protein forms R665W.
Identifiers: ClinVar variation 2631094 (VCV002631094.1), dbSNP rs985317157, ClinGen allele CA167187836.